The following is an entry in ClinVar:

ClinVar aggregate classification (germline): Benign/Likely benign. Review status: criteria provided, multiple submitters, no conflicts (2 of 4 stars). 5 submissions from 5 submitters: Benign (2); Likely benign (3). Last evaluated 2026-01-21.

Conditions:
Marinesco-Sjögren syndrome (MSS). Also called: Marinesco-SjÃ¶gren syndrome; Marinesco-Sjogren Syndrome. Identifiers: Orphanet 559, MedGen C0024814, MONDO:0009567, OMIM 248800.

Allele frequency attached by ClinVar (database versions not stated): gnomAD exomes 0.00028; ExAC 0.00035; 1000 Genomes Project 0.00120; gnomAD 0.00138 and 0.00148; 1000 Genomes Project 30x 0.00141; TOPMed 0.00148; ESP Exome Variant Server 0.00154.
gnomAD v4.1: 366 of 1,611,466 alleles (0.023%); highest among the groups gnomAD compares: African/African-American, 0.42%; no homozygotes.

Submissions (5):

Labcorp Genetics (formerly Invitae), Labcorp
Classification: Benign for Marinesco-Sjögren syndrome. Last evaluated: 2026-01-21. Review status: criteria provided, single submitter. Criteria: Invitae Variant Classification Sherloc (09022015). Collection method: clinical testing. Allele origin: germline.

Blueprint Genetics
Classification: Likely benign. Last evaluated: 2024-08-23. Review status: criteria provided, single submitter. Criteria: ACMG Guidelines, 2015. Collection method: clinical testing. Allele origin: germline.

Athena Diagnostics
Classification: Benign. Last evaluated: 2024-05-09. Review status: criteria provided, single submitter. Criteria: Athena Diagnostics Criteria. Collection method: clinical testing. Allele origin: unknown.

GeneDx
Classification: Likely benign. Last evaluated: 2018-02-15. Review status: criteria provided, single submitter. Criteria: GeneDx Variant Classification (06012015). Collection method: clinical testing. Allele origin: germline. Affected: yes.
Comment: This variant is considered likely benign or benign based on one or more of the following criteria: it is a conservative change, it occurs at a poorly conserved position in the protein, it is predicted to be benign by multiple in silico algorithms, and/or has population frequency not consistent with disease.

Illumina Laboratory Services, Illumina
Classification: Likely benign for Marinesco-Sjögren syndrome. Last evaluated: 2018-01-13. Review status: criteria provided, single submitter. Criteria: ICSL Variant Classification Criteria 13 December 2019. Collection method: clinical testing. Allele origin: germline.
Comment: This variant was observed in the ICSL laboratory as part of a predisposition screen in an ostensibly healthy population. It had not been previously curated by ICSL or reported in the Human Gene Mutation Database (HGMD: prior to June 1st, 2018), and was therefore a candidate for classification through an automated scoring system. Utilizing variant allele frequency, disease prevalence and penetrance estimates, and inheritance mode, an automated score was calculated to assess if this variant is too frequent to cause the disease. Based on the score and internal cut-off values, a variant classified as likely benign is not then subjected to further curation. The score for this variant resulted in a classification of likely benign for this disease.

NM_022464.5(SIL1):c.1030-14G>A

Gene: SIL1 (SIL1 nucleotide exchange factor; minus strand). Cytogenetic location: 5q31.2.
Variant type: single nucleotide variant.
Coding change: c.1030-14G>A on transcript NM_022464.5 (MANE Select); 14 bases into the intron before coding-DNA position 1030, G replaced by A.
Molecular consequence: intron variant.
Genome position (GRCh38, 1-based): chr5:138,947,487, C>T on the plus strand (G>A on the coding strand, the complement: SIL1 is on the minus strand). VCF-style: chr5-138947487-C-T. GRCh37 (hg19) VCF-style: chr5-138283176-C-T.
Other names: c.1030-14G>A (NM_001037633.2).
Identifiers: ClinVar variation 389351 (VCV000389351.13), dbSNP rs184154914, ClinGen allele CA3432384.
Genomic context (GRCh38, chr5:138,947,487, plus strand): 5'-TCTGGGGACATCTCCTGGGTCAGCTCAGCCTCCTCCTCGGCGAACATCTGCCATCCGCCA[C>T]AGCCGCAGGCCAGGTAGGGTGGGGGTGGGGAGAGAACACACAGGGAGCAGTTAGCTCACA-3'